The following is an entry in ClinVar:

NM_014956.5(CEP164):c.4303A>G (p.Thr1435Ala)

Gene: CEP164 (centrosomal protein 164; plus strand). Cytogenetic location: 11q23.3.
Variant type: single nucleotide variant.
Coding change: c.4303A>G on transcript NM_014956.5 (MANE Select); coding-DNA position 4303, A replaced by G.
Protein change: p.Thr1435Ala; replaces threonine 1435 with alanine.
Molecular consequence: missense variant.
Genome position (GRCh38, 1-based): chr11:117,412,088, A>G. VCF-style: chr11-117412088-A-G. GRCh37 (hg19) VCF-style: chr11-117282804-A-G.
Other names: c.4288A>G, p.Thr1430Ala (NM_001271933.2); short protein forms T1430A, T1435A.
Identifiers: ClinVar variation 1719699 (VCV001719699.5), dbSNP rs2542892165, ClinGen allele CA382746419.

ClinVar aggregate classification (germline): Uncertain significance (1 of 4 stars; one submission).

Conditions:
Nephronophthisis 15 (NPHP15). Identifiers: Orphanet 3156, MedGen C3541853, MONDO:0013917, OMIM 614845.

Submission:

Labcorp Genetics (formerly Invitae), Labcorp
Classification: Uncertain significance for Nephronophthisis 15. Last evaluated: 2022-07-19. Review status: criteria provided, single submitter. Criteria: Invitae Variant Classification Sherloc (09022015). Collection method: clinical testing. Allele origin: germline.
Comment: This sequence change replaces threonine, which is neutral and polar, with alanine, which is neutral and non-polar, at codon 1435 of the CEP164 protein (p.Thr1435Ala). This variant is not present in population databases (gnomAD no frequency). This variant has not been reported in the literature in individuals affected with CEP164-related conditions. Algorithms developed to predict the effect of missense changes on protein structure and function output the following: SIFT: "Tolerated"; PolyPhen-2: "Benign"; Align-GVGD: "Class C0". The alanine amino acid residue is found in multiple mammalian species, which suggests that this missense change does not adversely affect protein function. In summary, the available evidence is currently insufficient to determine the role of this variant in disease. Therefore, it has been classified as a Variant of Uncertain Significance.